The following is an entry in ClinVar:

NM_199173.6(BGLAP):c.51C>T (p.Ile17=)

Genes: BGLAP (bone gamma-carboxyglutamate protein; plus strand), PMF1-BGLAP (PMF1-BGLAP readthrough; plus strand). Cytogenetic location: 1q22.
Variant type: single nucleotide variant.
Coding change: c.51C>T on transcript NM_199173.6 (MANE Select); coding-DNA position 51, C replaced by T.
Protein change: p.Ile17=; no amino-acid change (isoleucine 17 retained).
Molecular consequence: synonymous variant. On other transcripts: intron variant (4).
Genome position (GRCh38, 1-based): chr1:156,242,282, C>T. VCF-style: chr1-156242282-C-T. GRCh37 (hg19) VCF-style: chr1-156212073-C-T.
Other names: c.565-271C>T (NM_001199662.1); c.504-271C>T (NM_001199661.1); c.369-271C>T (NM_001199663.1); c.358-271C>T (NM_001199664.1).
Identifiers: ClinVar variation 2639450 (VCV002639450.24), dbSNP rs748361308, ClinGen allele CA1156064.

ClinVar aggregate classification (germline): Likely benign (1 of 4 stars; one submission).

Allele frequency attached by ClinVar (database versions not stated): TOPMed below 0.00001; gnomAD 0.00001; gnomAD exomes 0.00001; ExAC 0.00004.
gnomAD v4.1: 16 of 1,613,206 alleles (0.00099%); highest among the groups gnomAD compares: East Asian, 0.0045%; no homozygotes.

Submission:

CeGaT Center for Human Genetics Tuebingen
Classification: Likely benign. Last evaluated: 2022-03-01. Review status: criteria provided, single submitter. Criteria: CeGaT Center For Human Genetics Tuebingen Variant Classification Criteria Version 2. Collection method: clinical testing. Allele origin: germline. Affected: yes. Observed: 1 variant allele.
Comment: BGLAP: BP4, BP7